The following is an entry in ClinVar:

NM_025215.6(PUS1):c.845T>C (p.Ile282Thr)

Gene: PUS1 (pseudouridine synthase 1; plus strand). Cytogenetic location: 12q24.33.
Variant type: single nucleotide variant.
Coding change: c.845T>C on transcript NM_025215.6 (MANE Select); coding-DNA position 845, T replaced by C.
Protein change: p.Ile282Thr; replaces isoleucine 282 with threonine.
Molecular consequence: missense variant.
Genome position (GRCh38, 1-based): chr12:131,941,592, T>C. VCF-style: chr12-131941592-T-C. GRCh37 (hg19) VCF-style: chr12-132426137-T-C.
Other names: c.761T>C, p.Ile254Thr (NM_001002019.3, NM_001002020.3); short protein forms I254T, I282T.
Identifiers: ClinVar variation 2135423 (VCV002135423.4), dbSNP rs2540873419, ClinGen allele CA387299302.

ClinVar aggregate classification (germline): Uncertain significance (1 of 4 stars; one submission).

Allele frequency attached by ClinVar (database versions not stated): gnomAD exomes below 0.00001.
gnomAD v4.1: 1 of 1,614,118 alleles (0.000062%); highest among the groups gnomAD compares: Admixed American, 0.0017%; no homozygotes.

Submission:

Labcorp Genetics (formerly Invitae), Labcorp
Classification: Uncertain significance. Last evaluated: 2023-11-27. Review status: criteria provided, single submitter. Criteria: Invitae Variant Classification Sherloc (09022015). Collection method: clinical testing. Allele origin: germline.
Comment: This sequence change replaces isoleucine, which is neutral and non-polar, with threonine, which is neutral and polar, at codon 282 of the PUS1 protein (p.Ile282Thr). This variant is not present in population databases (gnomAD no frequency). This variant has not been reported in the literature in individuals affected with PUS1-related conditions. ClinVar contains an entry for this variant (Variation ID: 2135423). Advanced modeling of protein sequence and biophysical properties (such as structural, functional, and spatial information, amino acid conservation, physicochemical variation, residue mobility, and thermodynamic stability) performed at Invitae indicates that this missense variant is expected to disrupt PUS1 protein function with a positive predictive value of 80%. In summary, the available evidence is currently insufficient to determine the role of this variant in disease. Therefore, it has been classified as a Variant of Uncertain Significance.